The following is an entry in ClinVar:

ClinVar aggregate classification (germline): Uncertain significance (1 of 4 stars; one submission).

gnomAD v4.1: 7 of 1,612,926 alleles (0.00043%); highest among the groups gnomAD compares: South Asian, 0.0055%; no homozygotes.

Submission:

Labcorp Genetics (formerly Invitae), Labcorp
Classification: Uncertain significance. Last evaluated: 2024-07-02. Review status: criteria provided, single submitter. Criteria: Invitae Variant Classification Sherloc (09022015). Collection method: clinical testing. Allele origin: germline.
Comment: This sequence change replaces valine, which is neutral and non-polar, with aspartic acid, which is acidic and polar, at codon 11 of the ELOVL4 protein (p.Val11Asp). This variant is present in population databases (rs768255082, gnomAD 0.01%). This variant has not been reported in the literature in individuals affected with ELOVL4-related conditions. An algorithm developed to predict the effect of missense changes on protein structure and function (PolyPhen-2) suggests that this variant is likely to be tolerated. In summary, the available evidence is currently insufficient to determine the role of this variant in disease. Therefore, it has been classified as a Variant of Uncertain Significance.

NM_022726.4(ELOVL4):c.32T>A (p.Val11Asp)

Gene: ELOVL4 (ELOVL fatty acid elongase 4; minus strand). Cytogenetic location: 6q14.1.
Variant type: single nucleotide variant.
Coding change: c.32T>A on transcript NM_022726.4 (MANE Select); coding-DNA position 32, T replaced by A.
Protein change: p.Val11Asp; replaces valine 11 with aspartic acid.
Molecular consequence: missense variant.
Genome position (GRCh38, 1-based): chr6:79,947,248, A>T on the plus strand (T>A on the coding strand, the complement: ELOVL4 is on the minus strand). VCF-style: chr6-79947248-A-T. GRCh37 (hg19) VCF-style: chr6-80656965-A-T.
Other names: short protein forms V11D.
Identifiers: ClinVar variation 3687778 (VCV003687778.2).